The following is an entry in ClinVar:

NM_001048174.2(MUTYH):c.764T>C (p.Met255Thr)

Gene: MUTYH (mutY DNA glycosylase; minus strand). Cytogenetic location: 1p34.1.
Variant type: single nucleotide variant.
Coding change: c.764T>C on transcript NM_001048174.2 (MANE Select); coding-DNA position 764, T replaced by C.
Protein change: p.Met255Thr; replaces methionine 255 with threonine.
Molecular consequence: missense variant. On other transcripts: non-coding transcript variant (2).
Genome position (GRCh38, 1-based): chr1:45,332,251, A>G on the plus strand (T>C on the coding strand, the complement: MUTYH is on the minus strand). VCF-style: chr1-45332251-A-G. GRCh37 (hg19) VCF-style: chr1-45797923-A-G.
Other names: c.764T>C, p.Met255Thr (NM_001048171.2, NM_001048173.2, NM_001293195.2); c.767T>C, p.Met256Thr (NM_001048172.2); c.797T>C, p.Met266Thr (NM_001293191.2); c.488T>C, p.Met163Thr (NM_001293192.2, NM_001293196.2); c.419T>C, p.Met140Thr (NM_001350650.2, NM_001350651.2); c.839T>C, p.Met280Thr (NM_012222.3); c.848T>C, p.Met283Thr (NM_001128425.2); c.809T>C, p.Met270Thr (NM_001293190.2); short protein forms M283T, M163T, M256T, M140T, M266T, M255T, M270T, M280T.
Identifiers: ClinVar variation 406833 (VCV000406833.17), dbSNP rs1060501327, ClinGen allele CA16610184.
Genomic context (GRCh38, chr1:45,332,251, plus strand): 5'-TCCACAGGGCACTGGCTGCACAGTGGGCGCTGTGGGGTACACACTGTGGCCCCTAGCTCC[A>G]TGGCTGCTTGGTTGAAATCTCCTGGCCGGGCTGGGTCCACCAGCTGCTGGGCTAGACCCC-3'
Protein context (NP_001041639.1, residues 245-265): ARPGDFNQAA[Met255Thr]ELGATVCTPQ

ClinVar aggregate classification (germline): Conflicting classifications of pathogenicity. Review status: criteria provided, conflicting classifications (1 of 4 stars). 4 submissions from 4 submitters: Pathogenic (1); Likely pathogenic (1); Uncertain significance (2). Last evaluated 2026-07-27.

Conditions:
Hereditary cancer-predisposing syndrome. Also called: Hereditary Cancer Syndrome; Hereditary neoplastic syndrome; Neoplastic Syndromes, Hereditary; Tumor predisposition. Identifiers: Orphanet 140162, MedGen C0027672, MeSH D009386, MONDO:0015356.
Familial adenomatous polyposis 2. Also called: MUTYH-associated polyposis; Adenomas, multiple colorectal; ADENOMAS, MULTIPLE COLORECTAL, AUTOSOMAL RECESSIVE; FAP type 2; MUTYH-related attenuated familial adenomatous polyposis; MYH-associated polyposis. Identifiers: Orphanet 220460, Orphanet 247798, MedGen C3272841, MONDO:0012041, OMIM 608456.

Allele frequency attached by ClinVar (database versions not stated): TOPMed 0.00001.

Submissions (4):

Myriad Genetics, Inc.
Classification: Likely pathogenic for Familial adenomatous polyposis 2. Last evaluated: 2026-07-27. Review status: criteria provided, single submitter. Criteria: Myriad Autosomal Dominant, Autosomal Recessive and X-Linked Classification Criteria (2023). Collection method: clinical testing. Allele origin: unknown.
Comment: This variant is considered likely pathogenic. This variant has been reported in multiple individuals with clinical features of gene-specific disease [Myriad internal data]. Functional studies indicate this variant impacts protein function [PMID: 40738107]. This variant is expected to disrupt protein structure [Myriad internal data].

Ambry Genetics
Classification: Pathogenic for Hereditary cancer-predisposing syndrome. Last evaluated: 2025-11-03. Review status: criteria provided, single submitter. Criteria: Ambry Variant Classification Scheme 2023. Collection method: clinical testing. Allele origin: germline.
Comment: The p.M283T pathogenic mutation (also known as c.848T>C), located in coding exon 10 of the MUTYH gene, results from a T to C substitution at nucleotide position 848. The methionine at codon 283 is replaced by threonine, an amino acid with similar properties. In a massively parallel cell-based functional assay testing 7,8-dihydro-8-oxoguanine:adenine (8OG:A) repair activity, a byproduct of oxidative damage, this variant was reported to be non-functional (Hemker SL et al. Am J Hum Genet. 2025 Sep;112(9):2010-2026). An alteration at the same codon, p.M283V (c.847A>G), has been reported in conjunction with a MUTYH pathogenic mutation in patients with multiple adenomas and/or colorectal cancer (Lejeune S et al, Hum. Mutat. 2006 Oct; 27(10):1064; van Puijenbroek M et al. Clin Cancer Res. 2008 Jan 1;14(1):139-42). Of note, the p.M283V (c.847A>G) alteration is also designated as p.M269V (c.805A>G) in published literature. This amino acid position is highly conserved in available vertebrate species. This variant is considered to be rare based on population cohorts in the Genome Aggregation Database (gnomAD). In addition, this alteration is predicted to be deleterious by in silico analysis. Based on the supporting evidence, this variant is interpreted as a disease-causing mutation.

Color Diagnostics, LLC DBA Color Health
Classification: Uncertain significance for Hereditary cancer-predisposing syndrome. Last evaluated: 2024-09-10. Review status: criteria provided, single submitter. Criteria: ACMG Guidelines, 2015. Collection method: clinical testing. Allele origin: germline.
Comment: This missense variant replaces methionine with threonine at codon 283 of the MUTYH protein. Computational prediction tools and conservation analyses suggest that this variant may have deleterious impact on protein structure and function. Splice site prediction tools suggest that this variant may not impact RNA splicing. To our knowledge, functional studies have not been performed for this variant. This variant has not been reported in individuals affected with hereditary cancer in the literature. This variant has not been identified in the general population by the Genome Aggregation Database (gnomAD). A different missense variant occurring at the same codon, p.Met283Val, is known to be disease-causing (ClinVar Variation ID: 232291). The available evidence is insufficient to determine the role of this variant in disease conclusively. Therefore, this variant is classified as a Variant of Uncertain Significance.

Labcorp Genetics (formerly Invitae), Labcorp
Classification: Uncertain significance for Familial adenomatous polyposis 2. Last evaluated: 2024-07-30. Review status: criteria provided, single submitter. Criteria: Invitae Variant Classification Sherloc (09022015). Collection method: clinical testing. Allele origin: germline.
Comment: This sequence change replaces methionine, which is neutral and non-polar, with threonine, which is neutral and polar, at codon 283 of the MUTYH protein (p.Met283Thr). This variant is not present in population databases (gnomAD no frequency). This variant has not been reported in the literature in individuals affected with MUTYH-related conditions. ClinVar contains an entry for this variant (Variation ID: 406833). An algorithm developed to predict the effect of missense changes on protein structure and function (PolyPhen-2) suggests that this variant is likely to be disruptive. This variant disrupts the p.Met283 amino acid residue in MUTYH. Other variant(s) that disrupt this residue have been determined to be pathogenic (PMID: 16941501, 18172263, 20848659, 23322991). This suggests that this residue is clinically significant, and that variants that disrupt this residue are likely to be disease-causing. In summary, the available evidence is currently insufficient to determine the role of this variant in disease. Therefore, it has been classified as a Variant of Uncertain Significance.

Literature cited by the submitters: PubMed 40738107 (cited by Myriad Genetics, Inc. and Ambry Genetics); PubMed 16941501 (cited by Labcorp Genetics (formerly Invitae), Labcorp); PubMed 18172263 (cited by Labcorp Genetics (formerly Invitae), Labcorp); PubMed 20848659 (cited by Labcorp Genetics (formerly Invitae), Labcorp); PubMed 23322991 (cited by Labcorp Genetics (formerly Invitae), Labcorp).